The following is an entry in ClinVar:

NM_000059.4(BRCA2):c.3830del (p.Asn1277fs)

Gene: BRCA2 (BRCA2 DNA repair associated; plus strand). Cytogenetic location: 13q13.1.
Variant type: Deletion.
Coding change: c.3830del on transcript NM_000059.4 (MANE Select); coding-DNA position 3830, one base deleted (A; older notation c.3830delA).
Protein change: p.Asn1277fs; shifts the reading frame from asparagine 1277.
Molecular consequence: frameshift variant.
Genome position (GRCh38, 1-based): chr13:32,338,185, A deleted; the last of 4 consecutive A bases (chr13:32,338,182-32,338,185); deleting any one gives the same sequence. VCF-style (leftmost placement, unchanged base first): chr13-32338181-GA-G. GRCh37 (hg19) VCF-style: chr13-32912318-GA-G.
Other names: c.3830delA (NM_000059.3); short protein forms N1277fs.
Identifiers: ClinVar variation 51533 (VCV000051533.16), dbSNP rs397507689, ClinGen allele CA018884.

ClinVar aggregate classification (germline): Pathogenic. Review status: reviewed by expert panel (3 of 4 stars). 5 submissions from 5 submitters: Pathogenic (1). 4 of the submissions do not count toward it. Last evaluated 2017-12-15.

Conditions:
Hereditary breast ovarian cancer syndrome. Also called: Hereditary breast and ovarian cancer syndrome; Hereditary breast and ovarian cancer; Hereditary breast and ovarian cancer syndrome (HBOC); Breast and ovarian cancer; Hereditary breast and/or ovarian cancer syndrome; BRCA1- and BRCA2-Associated Hereditary Breast and Ovarian Cancer. Identifiers: Orphanet 145, MedGen C0677776, MeSH D061325, MONDO:0003582. Disease mechanism: loss of function.
Hereditary cancer-predisposing syndrome. Also called: Neoplastic Syndromes, Hereditary; Tumor predisposition; Hereditary Cancer Syndrome; Hereditary neoplastic syndrome. Identifiers: Orphanet 140162, MedGen C0027672, MeSH D009386, MONDO:0015356.
Breast-ovarian cancer, familial, susceptibility to, 2 (BROVCA2). Also called: BRCA2 Hereditary Breast and Ovarian Cancer. Identifiers: Orphanet 145, MedGen C2675520, MONDO:0012933, OMIM 612555. Disease mechanism: loss of function.
Familial cancer of breast. Also called: BREAST CANCER, FAMILIAL; Hereditary breast cancer; hereditary breast carcinoma. Identifiers: Orphanet 227535, MedGen C0346153, MONDO:0016419, OMIM 114480. Disease mechanism: loss of function.

Submissions (5):

Evidence-based Network for the Interpretation of Germline Mutant Alleles (ENIGMA)
Classification: Pathogenic for Breast-ovarian cancer, familial, susceptibility to, 2. Last evaluated: 2017-12-15. Review status: reviewed by expert panel. Criteria: ENIGMA BRCA1/2 Classification Criteria (2017-06-29). Collection method: curation. Allele origin: germline. Study: ENIGMA.
Comment: Variant allele predicted to encode a truncated non-functional protein.

Labcorp Genetics (formerly Invitae), Labcorp
Classification: Pathogenic for Hereditary breast ovarian cancer syndrome. Last evaluated: 2021-08-24. Review status: criteria provided, single submitter. Criteria: Invitae Variant Classification Sherloc (09022015). Collection method: clinical testing. Allele origin: germline. Not counted in ClinVar's aggregate classification.
Comment: This sequence change creates a premature translational stop signal (p.Asn1277Ilefs*7) in the BRCA2 gene. It is expected to result in an absent or disrupted protein product. Loss-of-function variants in BRCA2 are known to be pathogenic (PMID: 20104584). This variant is not present in population databases (ExAC no frequency). This variant has been observed in individual(s) with breast cancer PMID: 12624724). ClinVar contains an entry for this variant (Variation ID: 51533). For these reasons, this variant has been classified as Pathogenic.

Genomic Research Center, Shahid Beheshti University of Medical Sciences
Classification: Pathogenic for Familial cancer of breast. Last evaluated: 2020-05-03. Review status: criteria provided, single submitter. Criteria: ACMG Guidelines, 2015. Collection method: clinical testing. Allele origin: unknown. Affected: yes. Not counted in ClinVar's aggregate classification.

Ambry Genetics
Classification: Pathogenic for Hereditary cancer-predisposing syndrome. Last evaluated: 2019-04-27. Review status: criteria provided, single submitter. Criteria: Ambry Variant Classification Scheme 2023. Collection method: clinical testing. Allele origin: germline. Not counted in ClinVar's aggregate classification.
Comment: The c.3830delA pathogenic mutation, located in coding exon 10 of the BRCA2 gene, results from a deletion of one nucleotide at nucleotide position 3830, causing a translational frameshift with a predicted alternate stop codon (p.N1277Ifs*7). This mutation (designated as 3830delA) was observed in a cohort of patients with a personal and family history of breast cancer (Sakayori M et al. J. Hum. Genet. 2003;48:130-7). In addition to the clinical data presented in the literature, this alteration is expected to result in loss of function by premature protein truncation or nonsense-mediated mRNA decay. As such, this alteration is interpreted as a disease-causing mutation.

ClinVar Staff, National Center for Biotechnology Information (NCBI)
No classification provided. Condition: Familial cancer of breast. Review status: no classification provided. Collection method: literature only. Allele origin: germline. Affected: yes. Not counted in ClinVar's aggregate classification.

Literature cited by the submitters: PubMed 20104584 (cited by Labcorp Genetics (formerly Invitae), Labcorp); PubMed 12624724 (cited by Ambry Genetics and ClinVar Staff, National Center for Biotechnology Information (NCBI)); PubMed 15168169 (cited by Ambry Genetics); PubMed 15375703 (cited by Ambry Genetics).